The following is an entry in ClinVar:

NM_000264.5(PTCH1):c.1984G>C (p.Val662Leu)

Genes: PTCH1 (patched 1; minus strand), LOC100507346 (uncharacterized LOC100507346; plus strand). Cytogenetic location: 9q22.32.
Variant type: single nucleotide variant.
Coding change: c.1984G>C on transcript NM_000264.5 (MANE Select); coding-DNA position 1984, G replaced by C.
Protein change: p.Val662Leu; replaces valine 662 with leucine.
Molecular consequence: missense variant. On other transcripts: non-coding transcript variant (2).
Genome position (GRCh38, 1-based): chr9:95,469,017, C>G on the plus strand (G>C on the coding strand, the complement: PTCH1 is on the minus strand). VCF-style: chr9-95469017-C-G. GRCh37 (hg19) VCF-style: chr9-98231299-C-G.
Other names: c.1786G>C, p.Val596Leu (NM_001083602.3); c.1981G>C, p.Val661Leu (NM_001083603.3); c.1531G>C, p.Val511Leu (NM_001083604.3, NM_001083605.3, NM_001083606.3 and 1 more transcripts); c.1828G>C, p.Val610Leu (NM_001354918.2); short protein forms V661L, V511L, V596L, V610L, V662L.
Identifiers: ClinVar variation 4826373 (VCV004826373.1).

ClinVar aggregate classification (germline): Uncertain significance (1 of 4 stars; one submission).

Conditions:
Hereditary cancer-predisposing syndrome. Also called: Neoplastic Syndromes, Hereditary; Tumor predisposition; Hereditary Cancer Syndrome; Hereditary neoplastic syndrome. Identifiers: Orphanet 140162, MedGen C0027672, MeSH D009386, MONDO:0015356.

Submission:

Ambry Genetics
Classification: Uncertain significance for Hereditary cancer-predisposing syndrome. Last evaluated: 2026-03-12. Review status: criteria provided, single submitter. Criteria: Ambry Variant Classification Scheme 2023. Collection method: clinical testing. Allele origin: germline.
Comment: The p.V662L variant (also known as c.1984G>C), located in coding exon 14 of the PTCH1 gene, results from a G to C substitution at nucleotide position 1984. The valine at codon 662 is replaced by leucine, an amino acid with highly similar properties. This amino acid position is conserved. In addition, this alteration is predicted to be deleterious by in silico analysis. Based on the available evidence, the clinical significance of this variant remains unclear.